The following is an entry in ClinVar:

NM_172369.5(C1QC):c.-3G>A

Gene: C1QC (complement C1q C chain; plus strand). Cytogenetic location: 1p36.12.
Variant type: single nucleotide variant.
Coding change: c.-3G>A on transcript NM_172369.5 (MANE Select); 3 bases upstream of the start codon, G replaced by A.
Molecular consequence: 5 prime UTR variant. On other transcripts: intron variant (1).
Genome position (GRCh38, 1-based): chr1:22,644,021, G>A. VCF-style: chr1-22644021-G-A. GRCh37 (hg19) VCF-style: chr1-22970514-G-A.
Other names: NC_000001.10:g.22970514G>A; c.-3G>A (NM_001114101.3, NM_001347619.2); c.-87+307G>A (NM_001347620.2).
Identifiers: ClinVar variation 4382283 (VCV004382283.3).
Genomic context (GRCh38, chr1:22,644,021, plus strand): 5'-TGGGGGCAGGTGAGGGGCTGGCGGGGACAGCTCAGCTCTCTCCCTCCCAGTTCCTTCTCC[G>A]GGATGGACGTGGGGCCCAGCTCCCTGCCCCACCTTGGGCTGAAGCTGCTGCTGCTCCTGC-3'

ClinVar aggregate classification (germline): Benign. Review status: criteria provided, multiple submitters, no conflicts (2 of 4 stars). 2 submissions from 2 submitters: Benign (2). Last evaluated 2026-01-29.

Submissions (35):

Women's Health and Genetics/Laboratory Corporation of America, LabCorp
Classification: Benign. Last evaluated: 2026-01-29. Review status: criteria provided, single submitter. Criteria: LabCorp Variant Classification Summary - May 2015. Collection method: clinical testing. Allele origin: germline.
Comment: Variant summary: C1QC c.-3G>A is located in the untranslated mRNA region upstream of the initiation codon. The variant allele was found at a frequency of 0.0063 in 212292 control chromosomes, predominantly at a frequency of 0.085 within the African or African-American subpopulation in the gnomAD database, including 56 homozygotes. The observed variant frequency within African or African-American control individuals in the gnomAD database exceeds the estimated maximal expected allele frequency for disease-causing variants in C1QC. To our knowledge, no occurrence of c.-3G>A in individuals affected with C1QC-related conditions and no experimental evidence demonstrating its impact on protein function have been reported. ClinVar contains an entry for this variant (Variation ID: 4382283). Based on the evidence outlined above, the variant was classified as benign.

Mayo Clinic Laboratories, Mayo Clinic
Classification: Benign. Last evaluated: 2023-08-20. Review status: criteria provided, single submitter. Criteria: ACMG Guidelines, 2015. Collection method: clinical testing. Allele origin: germline. Observed: 5 variant alleles.

Dr. Peter K. Rogan Lab, Western University
No classification provided (evidence only). Condition: Lung cancer. Review status: no classification provided. Collection method: in vitro. Allele origin: not applicable. Functional consequence: retained intron. Not counted in ClinVar's aggregate classification.

Dr. Peter K. Rogan Lab, Western University
No classification provided (evidence only). Condition: Colon adenocarcinoma. Review status: no classification provided. Collection method: in vitro. Allele origin: not applicable. Functional consequence: retained intron. Not counted in ClinVar's aggregate classification.

Dr. Peter K. Rogan Lab, Western University
No classification provided (evidence only). Condition: Colon adenocarcinoma. Review status: no classification provided. Collection method: in vitro. Allele origin: not applicable. Functional consequence: retained intron. Not counted in ClinVar's aggregate classification.

Dr. Peter K. Rogan Lab, Western University
No classification provided (evidence only). Condition: Colon adenocarcinoma. Review status: no classification provided. Collection method: in vitro. Allele origin: not applicable. Functional consequence: retained intron. Not counted in ClinVar's aggregate classification.

Dr. Peter K. Rogan Lab, Western University
No classification provided (evidence only). Condition: Thyroid cancer, nonmedullary, 1. Review status: no classification provided. Collection method: in vitro. Allele origin: not applicable. Functional consequence: retained intron. Not counted in ClinVar's aggregate classification.

Dr. Peter K. Rogan Lab, Western University
No classification provided (evidence only). Condition: Uterine corpus endometrial carcinoma. Review status: no classification provided. Collection method: in vitro. Allele origin: not applicable. Functional consequence: retained intron. Not counted in ClinVar's aggregate classification.

Dr. Peter K. Rogan Lab, Western University
No classification provided (evidence only). Condition: Uterine corpus endometrial carcinoma. Review status: no classification provided. Collection method: in vitro. Allele origin: not applicable. Functional consequence: retained intron. Not counted in ClinVar's aggregate classification.

Dr. Peter K. Rogan Lab, Western University
No classification provided (evidence only). Condition: Uterine corpus endometrial carcinoma. Review status: no classification provided. Collection method: in vitro. Allele origin: not applicable. Functional consequence: retained intron. Not counted in ClinVar's aggregate classification.

Dr. Peter K. Rogan Lab, Western University
No classification provided (evidence only). Condition: Uterine corpus endometrial carcinoma. Review status: no classification provided. Collection method: in vitro. Allele origin: not applicable. Functional consequence: retained intron. Not counted in ClinVar's aggregate classification.

Dr. Peter K. Rogan Lab, Western University
No classification provided (evidence only). Condition: Uterine corpus endometrial carcinoma. Review status: no classification provided. Collection method: in vitro. Allele origin: not applicable. Functional consequence: retained intron. Not counted in ClinVar's aggregate classification.

Dr. Peter K. Rogan Lab, Western University
No classification provided (evidence only). Condition: Uterine corpus endometrial carcinoma. Review status: no classification provided. Collection method: in vitro. Allele origin: not applicable. Functional consequence: retained intron. Not counted in ClinVar's aggregate classification.

Dr. Peter K. Rogan Lab, Western University
No classification provided (evidence only). Condition: Uterine corpus endometrial carcinoma. Review status: no classification provided. Collection method: in vitro. Allele origin: not applicable. Functional consequence: retained intron. Not counted in ClinVar's aggregate classification.

Dr. Peter K. Rogan Lab, Western University
No classification provided (evidence only). Condition: Uterine corpus endometrial carcinoma. Review status: no classification provided. Collection method: in vitro. Allele origin: not applicable. Functional consequence: retained intron. Not counted in ClinVar's aggregate classification.

Dr. Peter K. Rogan Lab, Western University
No classification provided (evidence only). Condition: Uterine corpus endometrial carcinoma. Review status: no classification provided. Collection method: in vitro. Allele origin: not applicable. Functional consequence: retained intron. Not counted in ClinVar's aggregate classification.

Dr. Peter K. Rogan Lab, Western University
No classification provided (evidence only). Condition: Cervical cancer. Review status: no classification provided. Collection method: in vitro. Allele origin: not applicable. Functional consequence: retained intron. Not counted in ClinVar's aggregate classification.

Dr. Peter K. Rogan Lab, Western University
No classification provided (evidence only). Condition: Sarcoma. Review status: no classification provided. Collection method: in vitro. Allele origin: not applicable. Functional consequence: retained intron. Not counted in ClinVar's aggregate classification.

Dr. Peter K. Rogan Lab, Western University
No classification provided (evidence only). Condition: Sarcoma. Review status: no classification provided. Collection method: in vitro. Allele origin: not applicable. Functional consequence: retained intron. Not counted in ClinVar's aggregate classification.

Dr. Peter K. Rogan Lab, Western University
No classification provided (evidence only). Condition: Sarcoma. Review status: no classification provided. Collection method: in vitro. Allele origin: not applicable. Functional consequence: retained intron. Not counted in ClinVar's aggregate classification.

Dr. Peter K. Rogan Lab, Western University
No classification provided (evidence only). Condition: Sarcoma. Review status: no classification provided. Collection method: in vitro. Allele origin: not applicable. Functional consequence: retained intron. Not counted in ClinVar's aggregate classification.

Dr. Peter K. Rogan Lab, Western University
No classification provided (evidence only). Condition: Sarcoma. Review status: no classification provided. Collection method: in vitro. Allele origin: not applicable. Functional consequence: retained intron. Not counted in ClinVar's aggregate classification.

Dr. Peter K. Rogan Lab, Western University
No classification provided (evidence only). Condition: Sarcoma. Review status: no classification provided. Collection method: in vitro. Allele origin: not applicable. Functional consequence: retained intron. Not counted in ClinVar's aggregate classification.

Dr. Peter K. Rogan Lab, Western University
No classification provided (evidence only). Condition: Nonpapillary renal cell carcinoma. Review status: no classification provided. Collection method: in vitro. Allele origin: not applicable. Functional consequence: retained intron. Not counted in ClinVar's aggregate classification.

Dr. Peter K. Rogan Lab, Western University
No classification provided (evidence only). Condition: Thymoma. Review status: no classification provided. Collection method: in vitro. Allele origin: not applicable. Functional consequence: retained intron. Not counted in ClinVar's aggregate classification.

Dr. Peter K. Rogan Lab, Western University
No classification provided (evidence only). Condition: Thymoma. Review status: no classification provided. Collection method: in vitro. Allele origin: not applicable. Functional consequence: retained intron. Not counted in ClinVar's aggregate classification.

Dr. Peter K. Rogan Lab, Western University
No classification provided (evidence only). Condition: Thymoma. Review status: no classification provided. Collection method: in vitro. Allele origin: not applicable. Functional consequence: retained intron. Not counted in ClinVar's aggregate classification.

Dr. Peter K. Rogan Lab, Western University
No classification provided (evidence only). Condition: Cholangiocarcinoma. Review status: no classification provided. Collection method: in vitro. Allele origin: not applicable. Functional consequence: retained intron. Not counted in ClinVar's aggregate classification.

Dr. Peter K. Rogan Lab, Western University
No classification provided (evidence only). Condition: Ovarian serous cystadenocarcinoma. Review status: no classification provided. Collection method: in vitro. Allele origin: not applicable. Functional consequence: retained intron. Not counted in ClinVar's aggregate classification.

Dr. Peter K. Rogan Lab, Western University
No classification provided (evidence only). Condition: Ovarian serous cystadenocarcinoma. Review status: no classification provided. Collection method: in vitro. Allele origin: not applicable. Functional consequence: retained intron. Not counted in ClinVar's aggregate classification.

Dr. Peter K. Rogan Lab, Western University
No classification provided (evidence only). Condition: Ovarian serous cystadenocarcinoma. Review status: no classification provided. Collection method: in vitro. Allele origin: not applicable. Functional consequence: retained intron. Not counted in ClinVar's aggregate classification.

Dr. Peter K. Rogan Lab, Western University
No classification provided (evidence only). Condition: Ovarian serous cystadenocarcinoma. Review status: no classification provided. Collection method: in vitro. Allele origin: not applicable. Functional consequence: retained intron. Not counted in ClinVar's aggregate classification.

Dr. Peter K. Rogan Lab, Western University
No classification provided (evidence only). Condition: Uterine carcinosarcoma. Review status: no classification provided. Collection method: in vitro. Allele origin: not applicable. Functional consequence: skipped exon, retained intron. Not counted in ClinVar's aggregate classification.

Dr. Peter K. Rogan Lab, Western University
No classification provided (evidence only). Condition: Malignant tumor of esophagus. Review status: no classification provided. Collection method: in vitro. Allele origin: not applicable. Functional consequence: retained intron. Not counted in ClinVar's aggregate classification.

Dr. Peter K. Rogan Lab, Western University
No classification provided (evidence only). Condition: Malignant tumor of esophagus. Review status: no classification provided. Collection method: in vitro. Allele origin: not applicable. Functional consequence: retained intron. Not counted in ClinVar's aggregate classification.